The following is an entry in ClinVar:

ClinVar aggregate classification (germline): Likely pathogenic (1 of 4 stars; one submission).

Conditions:
MGAT2-congenital disorder of glycosylation. Also called: MENTAL RETARDATION, GROWTH RETARDATION, PROMINENT COLUMELLA, AND OPEN MOUTH; Alkuraya syndrome; CDG IIa; MGAT2-CDG; Congenital disorder of glycosylation, type IIa. Identifiers: Orphanet 79329, MedGen C2931008, MONDO:0008908, OMIM 212066.

Submission:

3billion
Classification: Likely pathogenic for MGAT2-congenital disorder of glycosylation. Last evaluated: 2025-10-27. Review status: criteria provided, single submitter. Criteria: ACMG Guidelines, 2015. Collection method: clinical testing. Allele origin: germline. Affected: yes.
Comment: The variant is observed at an extremely low frequency in the gnomAD v4.1.0 dataset (total allele frequency: <0.001%). Predicted Consequence/Location: Frameshift: predicted to result in a loss or disruption of normal protein function through protein truncation. The predicted truncated protein may be shortened by more than 10%. Therefore, this variant is classified as Likely pathogenic according to the recommendation of ACMG/AMP guideline.

NM_002408.4(MGAT2):c.174del (p.Ser59fs)

Gene: MGAT2 (alpha-1,6-mannosyl-glycoprotein 2-beta-N-acetylglucosaminyltransferase; plus strand). Cytogenetic location: 14q21.3.
Variant type: Deletion.
Coding change: c.174del on transcript NM_002408.4 (MANE Select); coding-DNA position 174, one base deleted (C; older notation c.174delC).
Protein change: p.Ser59fs; shifts the reading frame from serine 59.
Molecular consequence: frameshift variant.
Genome position (GRCh38, 1-based): chr14:49,621,442, C deleted; the last of 4 consecutive C bases (chr14:49,621,439-49,621,442); deleting any one gives the same sequence. VCF-style (leftmost placement, unchanged base first): chr14-49621438-AC-A. GRCh37 (hg19) VCF-style: chr14-50088156-AC-A.
Other names: short protein forms S59fs.
Identifiers: ClinVar variation 4855953 (VCV004855953.1).
Genomic context (GRCh38, chr14:49,621,438, plus strand): 5'-TCGCCCCACCGTTGCTGGACGCCGAACCCGCGCGGGGTGCCGGCGGCCGCGGTGGGGACC[AC>A]CCCTCTGTGGCTGTGGGCATCCGCAGGGTCTCCAACGTGTCGGCGGCTTCCCTGGTCCCG-3'